The following is an entry in ClinVar:

NM_015141.4(GPD1L):c.1021T>G (p.Leu341Val)

Gene: GPD1L (glycerol-3-phosphate dehydrogenase 1 like; plus strand). Cytogenetic location: 3p22.3.
Variant type: single nucleotide variant.
Coding change: c.1021T>G on transcript NM_015141.4 (MANE Select); coding-DNA position 1021, T replaced by G.
Protein change: p.Leu341Val; replaces leucine 341 with valine.
Molecular consequence: missense variant.
Genome position (GRCh38, 1-based): chr3:32,165,875, T>G. VCF-style: chr3-32165875-T-G. GRCh37 (hg19) VCF-style: chr3-32207367-T-G.
Other names: short protein forms L341V.
Identifiers: ClinVar variation 1010751 (VCV001010751.5), dbSNP rs1344615515, ClinGen allele CA351970620.

ClinVar aggregate classification (germline): Uncertain significance (1 of 4 stars; one submission).

Conditions:
Brugada syndrome. Also called: Sudden unexpected nocturnal death syndrome; Sudden Unexplained Nocturnal Death Syndrome (SUNDS); Sudden Unexplained Death Syndrome; Sudden unexplained nocturnal death syndrome. Identifiers: Orphanet 130, MedGen C1142166, MONDO:0015263.

Submission:

Labcorp Genetics (formerly Invitae), Labcorp
Classification: Uncertain significance for Brugada syndrome. Last evaluated: 2020-08-21. Review status: criteria provided, single submitter. Criteria: Invitae Variant Classification Sherloc (09022015). Collection method: clinical testing. Allele origin: germline.
Comment: Algorithms developed to predict the effect of missense changes on protein structure and function (SIFT, PolyPhen-2, Align-GVGD) all suggest that this variant is likely to be tolerated, but these predictions have not been confirmed by published functional studies and their clinical significance is uncertain. In summary, the available evidence is currently insufficient to determine the role of this variant in disease. Therefore, it has been classified as a Variant of Uncertain Significance. This variant has not been reported in the literature in individuals with GPD1L-related conditions. This sequence change replaces leucine with valine at codon 341 of the GPD1L protein (p.Leu341Val). The leucine residue is weakly conserved and there is a small physicochemical difference between leucine and valine. This variant is not present in population databases (ExAC no frequency).